The following is an entry in ClinVar:

ClinVar aggregate classification (germline): Uncertain significance (1 of 4 stars; one submission).

Allele frequency attached by ClinVar (database versions not stated): gnomAD exomes below 0.00001; ExAC 0.00001.
gnomAD v4.1: 1 of 1,183,284 alleles (0.000085%); highest among the groups gnomAD compares: Admixed American, 0.0022%; no homozygotes.

Submission:

GeneDx
Classification: Uncertain significance. Last evaluated: 2024-11-05. Review status: criteria provided, single submitter. Criteria: GeneDx Variant Classification Process June 2021. Collection method: clinical testing. Allele origin: germline.
Comment: In silico analysis supports that this missense variant has a deleterious effect on protein structure/function; Has not been previously published as pathogenic or benign to our knowledge

NM_001291415.2(KDM6A):c.2926C>T (p.Pro976Ser)

Gene: KDM6A (lysine demethylase 6A; plus strand). Cytogenetic location: Xp11.3.
Variant type: single nucleotide variant.
Coding change: c.2926C>T on transcript NM_001291415.2 (MANE Select); coding-DNA position 2926, C replaced by T.
Protein change: p.Pro976Ser; replaces proline 976 with serine.
Molecular consequence: missense variant. On other transcripts: non-coding transcript variant (1).
Genome position (GRCh38, 1-based): chrX:45,076,764, C>T. VCF-style: chrX-45076764-C-T. GRCh37 (hg19) VCF-style: chrX-44936009-C-T.
Other names: c.2791C>T, p.Pro931Ser (NM_001291416.2, NM_001419811.1); c.2635C>T, p.Pro879Ser (NM_001291417.2); c.2533C>T, p.Pro845Ser (NM_001291418.2, NM_001419815.1); c.1882C>T, p.Pro628Ser (NM_001291421.2); c.2668C>T, p.Pro890Ser (NM_001410742.1, NM_001419814.1); c.2926C>T, p.Pro976Ser (NM_001419809.1); c.2824C>T, p.Pro942Ser (NM_001419810.1, NM_001419813.1); c.2770C>T, p.Pro924Ser (NM_001419812.1, NM_021140.4); short protein forms P628S, P845S, P879S, P890S, P924S, P931S, P942S, P976S.
Identifiers: ClinVar variation 3252169 (VCV003252169.2), dbSNP rs763195592.